The following is an entry in ClinVar:

NM_014846.4(WASHC5):c.2289C>G (p.Asn763Lys)

Gene: WASHC5 (WASH complex subunit 5; minus strand). Cytogenetic location: 8q24.13.
Variant type: single nucleotide variant.
Coding change: c.2289C>G on transcript NM_014846.4 (MANE Select); coding-DNA position 2289, C replaced by G.
Protein change: p.Asn763Lys; replaces asparagine 763 with lysine.
Molecular consequence: missense variant.
Genome position (GRCh38, 1-based): chr8:125,049,096, G>C on the plus strand (C>G on the coding strand, the complement: WASHC5 is on the minus strand). VCF-style: chr8-125049096-G-C. GRCh37 (hg19) VCF-style: chr8-126061338-G-C.
Other names: c.1845C>G, p.Asn615Lys (NM_001330609.2); short protein forms N615K, N763K.
Identifiers: ClinVar variation 4526102 (VCV004526102.1).

ClinVar aggregate classification (germline): Uncertain significance (1 of 4 stars; one submission).

Submission:

Women's Health and Genetics/Laboratory Corporation of America, LabCorp
Classification: Uncertain significance. Last evaluated: 2025-07-08. Review status: criteria provided, single submitter. Criteria: LabCorp Variant Classification Summary - May 2015. Collection method: clinical testing. Allele origin: germline.
Comment: Variant summary: WASHC5 c.2289C>G (p.Asn763Lys) results in a non-conservative amino acid change in the encoded protein sequence. Algorithms developed to predict the effect of missense changes on protein structure and function are either unavailable or do not agree on the potential impact of this missense change. The variant was absent in 251306 control chromosomes. The available data on variant occurrences in the general population are insufficient to allow any conclusion about variant significance. To our knowledge, no occurrence of c.2289C>G in individuals affected with Ritscher-Schinzel Syndrome 1 and no experimental evidence demonstrating its impact on protein function have been reported. No submitters have cited clinical-significance assessments for this variant to ClinVar. Based on the evidence outlined above, the variant was classified as uncertain significance.